The following is an entry in ClinVar:

NM_000245.4(MET):c.3214G>A (p.Gly1072Arg)

Gene: MET (MET proto-oncogene, receptor tyrosine kinase; plus strand). Cytogenetic location: 7q31.2.
Variant type: single nucleotide variant.
Coding change: c.3214G>A on transcript NM_000245.4 (MANE Select); coding-DNA position 3214, G replaced by A.
Protein change: p.Gly1072Arg; replaces glycine 1072 with arginine.
Molecular consequence: missense variant.
Genome position (GRCh38, 1-based): chr7:116,775,066, G>A. VCF-style: chr7-116775066-G-A. GRCh37 (hg19) VCF-style: chr7-116415120-G-A.
Other names: c.3268G>A, p.Gly1090Arg (NM_001127500.3); c.1924G>A, p.Gly642Arg (NM_001324402.2); short protein forms G1090R, G642R, G1072R.
Identifiers: ClinVar variation 2753766 (VCV002753766.3), dbSNP rs2485807571, ClinGen allele CA368988669.

ClinVar aggregate classification (germline): Uncertain significance (1 of 4 stars; one submission).

Conditions:
Renal cell carcinoma. Identifiers: Orphanet 217071, MedGen C0007134, MeSH D002292, MONDO:0005086, HP:0005584.

Submission:

Labcorp Genetics (formerly Invitae), Labcorp
Classification: Uncertain significance for Renal cell carcinoma. Last evaluated: 2023-08-18. Review status: criteria provided, single submitter. Criteria: Invitae Variant Classification Sherloc (09022015). Collection method: clinical testing. Allele origin: germline.
Comment: This variant has not been reported in the literature in individuals affected with MET-related conditions. This sequence change replaces glycine, which is neutral and non-polar, with arginine, which is basic and polar, at codon 1090 of the MET protein (p.Gly1090Arg). This variant is not present in population databases (gnomAD no frequency). Advanced modeling of protein sequence and biophysical properties (such as structural, functional, and spatial information, amino acid conservation, physicochemical variation, residue mobility, and thermodynamic stability) performed at Invitae indicates that this missense variant is not expected to disrupt MET protein function. In summary, the available evidence is currently insufficient to determine the role of this variant in disease. Therefore, it has been classified as a Variant of Uncertain Significance.